The following is an entry in ClinVar:

ClinVar aggregate classification (germline): Uncertain significance (1 of 4 stars; one submission).

gnomAD v4.1: 3 of 1,211,685 alleles (0.00025%); highest among the groups gnomAD compares: Non-Finnish European, 0.00034%; no homozygotes.

Submission:

GeneDx
Classification: Uncertain significance. Last evaluated: 2025-03-09. Review status: criteria provided, single submitter. Criteria: GeneDx Variant Classification Process June 2021. Collection method: clinical testing. Allele origin: germline. Affected: yes.
Comment: Not observed at significant frequency in large population cohorts (gnomAD); In silico analysis indicates that this missense variant does not alter protein structure/function; Has not been previously published as pathogenic or benign to our knowledge

NM_031206.7(LAS1L):c.1571C>G (p.Pro524Arg)

Gene: LAS1L (LAS1 like ribosome biogenesis factor; minus strand). Cytogenetic location: Xq12.
Variant type: single nucleotide variant.
Coding change: c.1571C>G on transcript NM_031206.7 (MANE Select); coding-DNA position 1571, C replaced by G.
Protein change: p.Pro524Arg; replaces proline 524 with arginine.
Molecular consequence: missense variant. On other transcripts: non-coding transcript variant (3).
Genome position (GRCh38, 1-based): chrX:65,518,343, G>C on the plus strand (C>G on the coding strand, the complement: LAS1L is on the minus strand). VCF-style: chrX-65518343-G-C. GRCh37 (hg19) VCF-style: chrX-64738223-G-C.
Other names: c.1520C>G, p.Pro507Arg (NM_001170649.2, NM_001375333.1); c.1394C>G, p.Pro465Arg (NM_001170650.2); c.1571C>G, p.Pro524Arg (NM_001375328.1); c.614C>G, p.Pro205Arg (NM_001375332.1); short protein forms P205R, P465R, P507R, P524R.
Identifiers: ClinVar variation 4082994 (VCV004082994.1).